The following is an entry in ClinVar:

ClinVar aggregate classification (germline): Uncertain significance (1 of 4 stars; one submission).

Submission:

CeGaT Center for Human Genetics Tuebingen
Classification: Uncertain significance. Last evaluated: 2023-11-01. Review status: criteria provided, single submitter. Criteria: CeGaT Center For Human Genetics Tuebingen Variant Classification Criteria Version 2. Collection method: clinical testing. Allele origin: germline. Affected: yes. Observed: 1 variant allele.
Comment: ROCK2: PM2, PM4

NM_004850.5(ROCK2):c.2922dup (p.Asn975Ter)

Gene: ROCK2 (Rho associated coiled-coil containing protein kinase 2; minus strand). Cytogenetic location: 2p25.1.
Variant type: Duplication.
Coding change: c.2922dup on transcript NM_004850.5 (MANE Select); coding-DNA position 2922, one base duplicated (T; older notation c.2922dupT).
Protein change: p.Asn975Ter; replaces asparagine 975 with a stop codon.
Molecular consequence: nonsense.
Genome position (GRCh38, 1-based): chr2:11,198,763, A duplicated on the plus strand (T on the coding strand, the reverse complement: ROCK2 is on the minus strand). VCF-style (leftmost placement, unchanged base first): chr2-11198762-T-TA. GRCh37 (hg19) VCF-style: chr2-11338888-T-TA.
Other names: c.2664dup, p.Asn889Ter (NM_001321643.2); short protein forms N889*, N975*.
Identifiers: ClinVar variation 2672798 (VCV002672798.23), dbSNP rs2527769378, ClinGen allele CA2695200421.